The following is an entry in ClinVar:

NM_000132.4(F8):c.524A>G (p.Tyr175Cys)

Gene: F8 (coagulation factor VIII; minus strand). Cytogenetic location: Xq28.
Variant type: single nucleotide variant.
Coding change: c.524A>G on transcript NM_000132.4 (MANE Select); coding-DNA position 524, A replaced by G.
Protein change: p.Tyr175Cys; replaces tyrosine 175 with cysteine.
Molecular consequence: missense variant.
Genome position (GRCh38, 1-based): chrX:154,993,013, T>C on the plus strand (A>G on the coding strand, the complement: F8 is on the minus strand). VCF-style: chrX-154993013-T-C. GRCh37 (hg19) VCF-style: chrX-154221288-T-C.
Other names: short protein forms Y175C.
Identifiers: ClinVar variation 4857319 (VCV004857319.1).

ClinVar aggregate classification (germline): Likely pathogenic (1 of 4 stars; one submission).

Conditions:
Factor VIII deficiency. Identifiers: MedGen C3494187, OMIM 134500.

Submission:

North West Genomic Laboratory Hub, Manchester University NHS Foundation Trust
Classification: Likely pathogenic for Factor VIII deficiency. Last evaluated: 2024-04-12. Review status: criteria provided, single submitter. Criteria: ACGS Best Practice Guidelines for Variant Classification in Rare Disease 2020. Collection method: clinical testing. Allele origin: germline. Affected: yes.
Comment: PS4_Mod PM6_Mod PP4_Mod PM2_Mod